The following is an entry in ClinVar:

ClinVar aggregate classification (germline): Uncertain significance (1 of 4 stars; one submission).

Conditions:
Walker-Warburg congenital muscular dystrophy. Also called: Muscular dystrophy-dystroglycanopathy, type A; Walker-Warburg syndrome. Identifiers: Orphanet 899, MedGen C0265221, MONDO:0000171.

Submission:

Labcorp Genetics (formerly Invitae), Labcorp
Classification: Uncertain significance for Walker-Warburg congenital muscular dystrophy. Last evaluated: 2025-08-18. Review status: criteria provided, single submitter. Criteria: Invitae Variant Classification Sherloc (09022015). Collection method: clinical testing. Allele origin: germline.
Comment: This sequence change replaces aspartic acid, which is acidic and polar, with glutamic acid, which is acidic and polar, at codon 362 of the FKTN protein (p.Asp362Glu). This variant is not present in population databases (gnomAD no frequency). This variant has not been reported in the literature in individuals affected with FKTN-related conditions. ClinVar contains an entry for this variant (Variation ID: 653846). Invitae Evidence Modeling of protein sequence and biophysical properties (such as structural, functional, and spatial information, amino acid conservation, physicochemical variation, residue mobility, and thermodynamic stability) indicates that this missense variant is not expected to disrupt FKTN protein function with a negative predictive value of 95%. In summary, the available evidence is currently insufficient to determine the role of this variant in disease. Therefore, it has been classified as a Variant of Uncertain Significance.

NM_001079802.2(FKTN):c.1086T>A (p.Asp362Glu)

Gene: FKTN (fukutin; plus strand). Cytogenetic location: 9q31.2.
Variant type: single nucleotide variant.
Coding change: c.1086T>A on transcript NM_001079802.2 (MANE Select); coding-DNA position 1086, T replaced by A.
Protein change: p.Asp362Glu; replaces aspartic acid 362 with glutamic acid.
Molecular consequence: missense variant. On other transcripts: non-coding transcript variant (2).
Genome position (GRCh38, 1-based): chr9:105,619,975, T>A. VCF-style: chr9-105619975-T-A. GRCh37 (hg19) VCF-style: chr9-108382256-T-A.
Other names: c.1086T>A, p.Asp362Glu (NM_001198963.2, NM_001351496.2, NM_001351498.2 and 1 more transcripts); c.1017T>A, p.Asp339Glu (NM_001351497.2); c.690T>A, p.Asp230Glu (NM_001351499.2, NM_001351500.2, NM_001351501.2 and 1 more transcripts); short protein forms D362E, D339E, D230E.
Identifiers: ClinVar variation 653846 (VCV000653846.8), dbSNP rs1588221689, ClinGen allele CA374377785.
Genomic context (GRCh38, chr9:105,619,975, plus strand): 5'-GTTTTCATCTTCCCCATAGGTAGAAGACAGCTTGGAACTATCCTTCCAGGGAAAAGATGA[T>A]GTAAAACTTGATGTTTTTTTCTTCTATGAAGAAACTGATCACATGTGGAATGGAGGCACT-3'
Protein context (NP_001073270.1, residues 352-372): SLELSFQGKD[Asp362Glu]VKLDVFFFYE